The following is an entry in ClinVar:

NM_032520.5(GNPTG):c.183dup (p.Val62fs)

Gene: GNPTG (N-acetylglucosamine-1-phosphate transferase subunit gamma; plus strand). Cytogenetic location: 16p13.3.
Variant type: Duplication.
Coding change: c.183dup on transcript NM_032520.5 (MANE Select); coding-DNA position 183, one base duplicated (C; older notation c.183dupC).
Protein change: p.Val62fs; shifts the reading frame from valine 62.
Molecular consequence: frameshift variant.
Genome position (GRCh38, 1-based): chr16:1,361,747, C duplicated; the last of 3 consecutive C bases (chr16:1,361,745-1,361,747); duplicating any one gives the same sequence. VCF-style (leftmost placement, unchanged base first): chr16-1361744-A-AC. GRCh37 (hg19) VCF-style: chr16-1411745-A-AC.
Other names: short protein forms V62fs.
Identifiers: ClinVar variation 1429968 (VCV001429968.6), dbSNP rs1291377834, ClinGen allele CA2201613723.

ClinVar aggregate classification (germline): Pathogenic (1 of 4 stars; one submission).

Submission:

Labcorp Genetics (formerly Invitae), Labcorp
Classification: Pathogenic. Last evaluated: 2021-11-17. Review status: criteria provided, single submitter. Criteria: Invitae Variant Classification Sherloc (09022015). Collection method: clinical testing. Allele origin: germline.
Comment: For these reasons, this variant has been classified as Pathogenic. This variant has not been reported in the literature in individuals affected with GNPTG-related conditions. This variant is not present in population databases (gnomAD no frequency). This sequence change creates a premature translational stop signal (p.Val62Argfs*21) in the GNPTG gene. It is expected to result in an absent or disrupted protein product. Loss-of-function variants in GNPTG are known to be pathogenic (PMID: 19370764, 20301784).

Literature cited by the submitters: PubMed 19370764; PubMed 20301784.